The following is an entry in ClinVar:

NC_000001.10:g.(?_183155488)_(183212535_?)dup

Gene: LAMC2 (laminin subunit gamma 2; plus strand). Cytogenetic location: 1q25.3.
Variant type: Duplication.
Identifiers: ClinVar variation 2425374 (VCV002425374.3).

ClinVar aggregate classification (germline): Uncertain significance (1 of 4 stars; one submission).

Submission:

Labcorp Genetics (formerly Invitae), Labcorp
Classification: Uncertain significance. Last evaluated: 2022-07-11. Review status: criteria provided, single submitter. Criteria: Invitae Variant Classification Sherloc (09022015). Collection method: clinical testing. Allele origin: germline.
Comment: A copy number gain of the genomic region encompassing the full coding sequence of the LAMC2 gene has been identified. The boundaries of this event are unknown as they extend beyond the assayed region for this gene and therefore may encompass additional genes. As the precise location of this event is unknown, it may be in tandem or it may be located elsewhere in the genome. This variant has not been reported in the literature in individuals affected with LAMC2-related conditions. In summary, the available evidence is currently insufficient to determine the role of this variant in disease. Therefore, it has been classified as a Variant of Uncertain Significance.